The following is an entry in ClinVar:

NM_000892.5(KLKB1):c.517G>A (p.Gly173Arg)

Gene: KLKB1 (kallikrein B1; plus strand). Cytogenetic location: 4q35.2.
Variant type: single nucleotide variant.
Coding change: c.517G>A on transcript NM_000892.5 (MANE Select); coding-DNA position 517, G replaced by A.
Protein change: p.Gly173Arg; replaces glycine 173 with arginine.
Molecular consequence: missense variant. On other transcripts: 5 prime UTR variant (1).
Genome position (GRCh38, 1-based): chr4:186,238,284, G>A. VCF-style: chr4-186238284-G-A. GRCh37 (hg19) VCF-style: chr4-187159438-G-A.
Other names: p.Gly173Arg; c.403G>A, p.Gly135Arg (NM_001318394.2); c.-121G>A (NM_001318396.2); c.517G>A (NM_000892.3); short protein forms G135R, G173R.
Identifiers: ClinVar variation 3379571 (VCV003379571.2).

ClinVar aggregate classification (germline): Uncertain significance. Review status: criteria provided, multiple submitters, no conflicts (2 of 4 stars). 2 submissions from 2 submitters: Uncertain significance (2). Last evaluated 2025-03-10.

gnomAD v4.1: 65 of 1,613,550 alleles (0.004%); highest among the groups gnomAD compares: East Asian, 0.036%; no homozygotes.

Submissions (2):

Ambry Genetics
Classification: Uncertain significance. Last evaluated: 2025-03-10. Review status: criteria provided, single submitter. Criteria: Ambry Variant Classification Scheme 2023. Collection method: clinical testing. Allele origin: germline.

Mayo Clinic Laboratories, Mayo Clinic
Classification: Uncertain significance. Last evaluated: 2024-07-10. Review status: criteria provided, single submitter. Criteria: ACMG Guidelines, 2015. Collection method: clinical testing. Allele origin: germline. Observed: 1 variant allele.
Comment: PM1_supporting